The following is an entry in ClinVar:

ClinVar aggregate classification (germline): Conflicting classifications of pathogenicity. Review status: criteria provided, conflicting classifications (1 of 4 stars). 2 submissions from 2 submitters: Uncertain significance (1); Likely benign (1). Last evaluated 2023-01-05.

gnomAD v4.1: 66 of 1,613,608 alleles (0.0041%); highest among the groups gnomAD compares: Non-Finnish European, 0.0052%; no homozygotes.

Submissions (2):

Blueprint Genetics
Classification: Likely benign. Last evaluated: 2023-01-05. Review status: criteria provided, single submitter. Criteria: ACMG Guidelines, 2015. Collection method: clinical testing. Allele origin: germline.

Labcorp Genetics (formerly Invitae), Labcorp
Classification: Uncertain significance. Last evaluated: 2022-01-15. Review status: criteria provided, single submitter. Criteria: Invitae Variant Classification Sherloc (09022015). Collection method: clinical testing. Allele origin: germline.
Comment: This sequence change replaces glutamine, which is neutral and polar, with glutamic acid, which is acidic and polar, at codon 2233 of the SPEG protein (p.Gln2233Glu). This variant is present in population databases (rs587777672, gnomAD 0.003%). This variant has not been reported in the literature in individuals affected with SPEG-related conditions. Algorithms developed to predict the effect of missense changes on protein structure and function output the following: SIFT: "Tolerated"; PolyPhen-2: "Benign"; Align-GVGD: "Class C0". The glutamic acid amino acid residue is found in multiple mammalian species, which suggests that this missense change does not adversely affect protein function. In summary, the available evidence is currently insufficient to determine the role of this variant in disease. Therefore, it has been classified as a Variant of Uncertain Significance.

NM_005876.5(SPEG):c.6697C>G (p.Gln2233Glu)

Genes: ASIC4-AS1 (ASIC4 antisense RNA 1; minus strand), SPEG (striated muscle enriched protein kinase; plus strand). Cytogenetic location: 2q35.
Variant type: single nucleotide variant.
Coding change: c.6697C>G on transcript NM_005876.5 (MANE Select); coding-DNA position 6697, C replaced by G.
Protein change: p.Gln2233Glu; replaces glutamine 2233 with glutamic acid.
Molecular consequence: missense variant.
Genome position (GRCh38, 1-based): chr2:219,484,160, C>G. VCF-style: chr2-219484160-C-G. GRCh37 (hg19) VCF-style: chr2-220348882-C-G.
Other names: short protein forms Q2233E.
Identifiers: ClinVar variation 2415904 (VCV002415904.4), dbSNP rs587777672, ClinGen allele CA2127093.
Genomic context (GRCh38, chr2:219,484,160, plus strand): 5'-GACAAGGCTCCAGAGCCCAGGCCAGAACCAGTCCGAGCCTCCAAGCCTGCACCACCCCCC[C>G]AGGCCCTGCAAACCCTAGCGCTGCCCCTCACACCCTATGCTCAGATCATTCAGTCCCTCC-3'
Protein context (NP_005867.3, residues 2223-2243): VRASKPAPPP[Gln2233Glu]ALQTLALPLT